The following is an entry in ClinVar:

ClinVar aggregate classification (germline): Uncertain significance (1 of 4 stars; one submission).

Submission:

GeneDx
Classification: Uncertain significance. Last evaluated: 2022-08-22. Review status: criteria provided, single submitter. Criteria: GeneDx Variant Classification Process June 2021. Collection method: clinical testing. Allele origin: germline. Affected: yes.
Comment: Not observed at significant frequency in large population cohorts (gnomAD); In silico analysis supports that this missense variant does not alter protein structure/function; Has not been previously published as pathogenic or benign to our knowledge; In silico analysis suggests this variant may impact gene splicing. In the absence of RNA/functional studies, the actual effect of this sequence change is unknown.

NM_020312.4(COQ9):c.14C>A (p.Ala5Glu)

Genes: COQ9 (coenzyme Q9; plus strand), LOC112469007 (Sharpr-MPRA regulatory region 5957; plus strand). Cytogenetic location: 16q21.
Variant type: single nucleotide variant.
Coding change: c.14C>A on transcript NM_020312.4 (MANE Select); coding-DNA position 14, C replaced by A.
Protein change: p.Ala5Glu; replaces alanine 5 with glutamic acid.
Molecular consequence: missense variant.
Genome position (GRCh38, 1-based): chr16:57,447,519, C>A. VCF-style: chr16-57447519-C-A. GRCh37 (hg19) VCF-style: chr16-57481431-C-A.
Other names: short protein forms A5E.
Identifiers: ClinVar variation 2430700 (VCV002430700.1), dbSNP rs866898130, ClinGen allele CA396026367.